The following is an entry in ClinVar:

NM_001384732.1(CPLANE1):c.1828C>T (p.Gln610Ter)

Gene: CPLANE1 (ciliogenesis and planar polarity effector complex subunit 1; minus strand). Cytogenetic location: 5p13.2.
Variant type: single nucleotide variant.
Coding change: c.1828C>T on transcript NM_001384732.1 (MANE Select); coding-DNA position 1828, C replaced by T.
Protein change: p.Gln610Ter; replaces glutamine 610 with a stop codon.
Molecular consequence: nonsense.
Genome position (GRCh38, 1-based): chr5:37,226,767, G>A on the plus strand (C>T on the coding strand, the complement: CPLANE1 is on the minus strand). VCF-style: chr5-37226767-G-A. GRCh37 (hg19) VCF-style: chr5-37226869-G-A.
Other names: c.1828C>T, p.Gln610Ter (NM_023073.4); short protein forms Q610*.
Identifiers: ClinVar variation 1333428 (VCV001333428.1), dbSNP rs1200574734, ClinGen allele CA359499058.

ClinVar aggregate classification (germline): Likely pathogenic (1 of 4 stars; one submission).

Conditions:
Orofaciodigital syndrome type 6 (OFD6). Also called: OROFACIODIGITAL SYNDROME VI; OFDS VI; POLYDACTYLY, CLEFT LIP/PALATE OR LINGUAL LUMP, AND PSYCHOMOTOR RETARDATION; VARADI SYNDROME; VARADI-PAPP SYNDROME; Oral-facial-digital syndrome type 6. Identifiers: Orphanet 2754, MedGen C2745997, MONDO:0010176, OMIM 277170.

Allele frequency attached by ClinVar (database versions not stated): gnomAD exomes below 0.00001; gnomAD 0.00001.
gnomAD v4.1: 6 of 1,541,998 alleles (0.00039%); highest among the groups gnomAD compares: African/African-American, 0.0014%; no homozygotes.

Submission:

3billion
Classification: Likely pathogenic for Orofaciodigital syndrome type 6. Last evaluated: 2022-01-03. Review status: criteria provided, single submitter. Criteria: ACMG Guidelines, 2015. Collection method: clinical testing. Allele origin: germline. Affected: yes. Observed: 1 heterozygote.
Comment: Stop-gained (nonsense): predicted to result in a loss or disruption of normal protein function through nonsense-mediated decay (NMD) or protein truncation. Multiple pathogenic variants are reported downstream of the variant (PVS1_VS). It is not observed in the gnomAD v2.1.1 dataset (PM2_M). Therefore, this variant is classified as likely pathogenic according to the recommendation of ACMG/AMP guideline.